The following is an entry in ClinVar:

NM_001383.6(DPH1):c.786_788del (p.Tyr263del)

Gene: DPH1 (diphthamide biosynthesis 1; plus strand). Cytogenetic location: 17p13.3.
Variant type: Deletion.
Coding change: c.786_788del on transcript NM_001383.6 (MANE Select); coding-DNA positions 786 to 788, 3 bases deleted (CTA; older notation c.786_788delCTA).
Protein change: p.Tyr263del; deletes tyrosine 263.
Molecular consequence: inframe deletion. On other transcripts: non-coding transcript variant (3).
Genome position (GRCh38, 1-based): chr17:2,040,254-2,040,256, CTA deleted; deleting any 3 consecutive bases within chr17:2,040,253-2,040,256 gives the same sequence; the c. name uses the placement nearest the transcript's 3' end. VCF-style (leftmost placement, unchanged base first): chr17-2040252-CACT-C. GRCh37 (hg19) VCF-style: chr17-1943546-CACT-C.
Other names: c.786_788delCTA (NM_001383.6); c.801_803del, p.Tyr268del (NM_001346574.1); c.768_770del, p.Tyr257del (NM_001346575.1); c.381_383del, p.Tyr128del (NM_001346576.2); short protein forms Y128del, Y257del, Y263del, Y268del.
Identifiers: ClinVar variation 2637692 (VCV002637692.2), dbSNP rs2067494430, ClinGen allele CA980719137.
Genomic context (GRCh38, chr17:2,040,252, plus strand): 5'-AGTGACCCTGACTGCTTCTTTTCCAGGTATGACCCATATAGCAAAGTCCTATCCAGAGAA[CACT>C]ATGACCACCAGCGCATGCAGGCTGCTCGCCAAGAAGCCATAGCCACTGCCCGCTCAGCTA-3'

ClinVar aggregate classification (germline): Uncertain significance. Review status: criteria provided, multiple submitters, no conflicts (2 of 4 stars). 2 submissions from 2 submitters: Uncertain significance (2). Last evaluated 2024-01-24.

Conditions:
Developmental delay with short stature, dysmorphic facial features, and sparse hair 1. Also called: LOUCKS-INNES SYNDROME. Identifiers: MedGen CN323360, MONDO:0800438, OMIM 616901.

Submissions (2):

Baylor Genetics
Classification: Uncertain significance for Developmental delay with short stature, dysmorphic facial features, and sparse hair 1. Last evaluated: 2024-01-24. Review status: criteria provided, single submitter. Criteria: ACMG Guidelines, 2015. Collection method: clinical testing. Allele origin: unknown.

Women's Health and Genetics/Laboratory Corporation of America, LabCorp
Classification: Uncertain significance. Last evaluated: 2023-10-12. Review status: criteria provided, single submitter. Criteria: LabCorp Variant Classification Summary - May 2015. Collection method: clinical testing. Allele origin: germline.
Comment: Variant summary: DPH1 c.786_788delCTA (p.Tyr263del) results in an in-frame deletion that is predicted to remove one amino acid from the encoded protein. The variant was absent in 249464 control chromosomes. The available data on variant occurrences in the general population are insufficient to allow any conclusion about variant significance. To our knowledge, no occurrence of c.786_788delCTA in individuals affected with Developmental Delay With Short Stature, Dysmorphic Facial Features, And Sparse Hair 1 and no experimental evidence demonstrating its impact on protein function have been reported. No submitters have cited clinical-significance assessments for this variant to ClinVar after 2014. Based on the evidence outlined above, the variant was classified as uncertain significance.